The following is an entry in ClinVar:

ClinVar aggregate classification (germline): Uncertain significance (1 of 4 stars; one submission).

Conditions:
Joubert syndrome. Also called: CEREBELLOPARENCHYMAL DISORDER IV; JOUBERT-BOLTSHAUSER SYNDROME; Familial aplasia of the vermis. Identifiers: Orphanet 475, MedGen C5979921, MONDO:0018772.
Meckel-Gruber syndrome. Also called: DYSENCEPHALIA SPLANCHNOCYSTICA; GRUBER SYNDROME; Dysencephalia splachnocystica. Identifiers: Orphanet 564, MedGen C0265215, MONDO:0018921.

gnomAD v4.1: 15 of 1,611,254 alleles (0.00093%); highest among the groups gnomAD compares: Non-Finnish European, 0.0012%; no homozygotes.

Submission:

Labcorp Genetics (formerly Invitae), Labcorp
Classification: Uncertain significance for Joubert syndrome; Meckel-Gruber syndrome. Last evaluated: 2021-08-28. Review status: criteria provided, single submitter. Criteria: Invitae Variant Classification Sherloc (09022015). Collection method: clinical testing. Allele origin: germline.
Comment: This sequence change falls in intron 18 of the RPGRIP1L gene. It does not directly change the encoded amino acid sequence of the RPGRIP1L protein. It affects a nucleotide within the consensus splice site of the intron. This variant is not present in population databases (ExAC no frequency). This variant has not been reported in the literature in individuals affected with RPGRIP1L-related conditions. Variants that disrupt the consensus splice site are a relatively common cause of aberrant splicing (PMID: 17576681, 9536098). Algorithms developed to predict the effect of sequence changes on RNA splicing suggest that this variant may disrupt the consensus splice site. In summary, the available evidence is currently insufficient to determine the role of this variant in disease. Therefore, it has been classified as a Variant of Uncertain Significance.

Literature cited by the submitters: PubMed 17576681; PubMed 9536098.

NM_015272.5(RPGRIP1L):c.2875-3T>G

Gene: RPGRIP1L (RPGRIP1 like; minus strand). Cytogenetic location: 16q12.2.
Variant type: single nucleotide variant.
Coding change: c.2875-3T>G on transcript NM_015272.5 (MANE Select); 3 bases into the intron before coding-DNA position 2875, T replaced by G.
Molecular consequence: intron variant.
Genome position (GRCh38, 1-based): chr16:53,641,119, A>C on the plus strand (T>G on the coding strand, the complement: RPGRIP1L is on the minus strand). VCF-style: chr16-53641119-A-C. GRCh37 (hg19) VCF-style: chr16-53675031-A-C.
Other names: c.2875-3T>G (NM_001127897.4, NM_001330538.2, NM_001308334.3).
Identifiers: ClinVar variation 2164423 (VCV002164423.1), dbSNP rs1249388713, ClinGen allele CA2575994537.
Genomic context (GRCh38, chr16:53,641,119, plus strand): 5'-CGAAAGATACCTTCTTATCTACAGGTGTTAAACGTTGTCTTGGTTTAGGTCTTGGTGCCT[A>C]AGACAAACCAACCAATGTGTCAGACTGAGTATGATGACCATTAGATTTCAGATAAGACTT-3'